The following is an entry in ClinVar:

NM_001114753.3(ENG):c.-62G>A

Gene: ENG (endoglin; minus strand). Cytogenetic location: 9q34.11.
Variant type: single nucleotide variant.
Coding change: c.-62G>A on transcript NM_001114753.3 (MANE Select); 62 bases upstream of the start codon, G replaced by A.
Molecular consequence: 5 prime UTR variant.
Genome position (GRCh38, 1-based): chr9:127,854,417, C>T on the plus strand (G>A on the coding strand, the complement: ENG is on the minus strand). VCF-style: chr9-127854417-C-T. GRCh37 (hg19) VCF-style: chr9-130616696-C-T.
Other names: c.-62G>A (NM_000118.4, NM_001406715.1).
Identifiers: ClinVar variation 2716520 (VCV002716520.2), dbSNP rs1031488112, ClinGen allele CA200326767.
Genomic context (GRCh38, chr9:127,854,417, plus strand): 5'-CTGTCCACGTGGGGGCCTGTGCGCTGGGCCTTATCCTGTGTCCAGTGGCAGGGCTGCGGG[C>T]GGGCACCGGGGCCGGCGTGGGCTCGCACGGGGACCCGAGGGGAGCAGGCGGCCGGAGCGA-3'

ClinVar aggregate classification (germline): Uncertain significance (1 of 4 stars; one submission).

Conditions:
Hereditary hemorrhagic telangiectasia (HHT). Also called: ORW DISEASE; Osler Weber Rendu syndrome; OSLER-RENDU-WEBER DISEASE; Osler hemorrhagic telangiectasia syndrome. Identifiers: Orphanet 774, MedGen C0039445, MONDO:0019180. Disease mechanism: loss of function.

Allele frequency attached by ClinVar (database versions not stated): gnomAD 0.00001.
gnomAD v4.1: 13 of 1,516,604 alleles (0.00086%); highest among the groups gnomAD compares: East Asian, 0.005%; no homozygotes.

Submission:

Labcorp Genetics (formerly Invitae), Labcorp
Classification: Uncertain significance for Hereditary hemorrhagic telangiectasia. Last evaluated: 2024-03-12. Review status: criteria provided, single submitter. Criteria: Invitae Variant Classification Sherloc (09022015). Collection method: clinical testing. Allele origin: germline.
Comment: This variant occurs in a non-coding region of the ENG gene. It does not change the encoded amino acid sequence of the ENG protein. The frequency data for this variant in the population databases is considered unreliable, as metrics indicate poor data quality at this position in the gnomAD database. This variant has not been reported in the literature in individuals affected with ENG-related conditions. In summary, the available evidence is currently insufficient to determine the role of this variant in disease. Therefore, it has been classified as a Variant of Uncertain Significance.